The following is an entry in ClinVar:

NM_130837.3(OPA1):c.2951C>G (p.Thr984Ser)

Gene: OPA1 (OPA1 mitochondrial dynamin like GTPase; plus strand). Cytogenetic location: 3q29.
Variant type: single nucleotide variant.
Coding change: c.2951C>G on transcript NM_130837.3 (MANE Select); coding-DNA position 2951, C replaced by G.
Protein change: p.Thr984Ser; replaces threonine 984 with serine.
Molecular consequence: missense variant.
Genome position (GRCh38, 1-based): chr3:193,667,248, C>G. VCF-style: chr3-193667248-C-G. GRCh37 (hg19) VCF-style: chr3-193385037-C-G.
Other names: c.2417C>G, p.Thr806Ser (NM_001354663.2); c.2414C>G, p.Thr805Ser (NM_001354664.2); c.2786C>G, p.Thr929Ser (NM_015560.3); c.2678C>G, p.Thr893Ser (NM_130831.3); c.2732C>G, p.Thr911Ser (NM_130832.3); c.2789C>G, p.Thr930Ser (NM_130833.3); c.2840C>G, p.Thr947Ser (NM_130834.3); c.2843C>G, p.Thr948Ser (NM_130835.3); and 1 more; short protein forms T805S, T806S, T947S, T948S, T893S, T984S, T911S, T929S.
Identifiers: ClinVar variation 1468724 (VCV001468724.8), dbSNP rs2109277839, ClinGen allele CA355797699.

ClinVar aggregate classification (germline): Uncertain significance (1 of 4 stars; one submission).

Submission:

Labcorp Genetics (formerly Invitae), Labcorp
Classification: Uncertain significance. Last evaluated: 2022-06-20. Review status: criteria provided, single submitter. Criteria: Invitae Variant Classification Sherloc (09022015). Collection method: clinical testing. Allele origin: germline.
Comment: In summary, the available evidence is currently insufficient to determine the role of this variant in disease. Therefore, it has been classified as a Variant of Uncertain Significance. Algorithms developed to predict the effect of missense changes on protein structure and function (SIFT, PolyPhen-2, Align-GVGD) all suggest that this variant is likely to be tolerated. This variant has not been reported in the literature in individuals affected with OPA1-related conditions. This variant is not present in population databases (gnomAD no frequency). This sequence change replaces threonine, which is neutral and polar, with serine, which is neutral and polar, at codon 929 of the OPA1 protein (p.Thr929Ser).